The following is an entry in ClinVar:

NM_017934.7(PHIP):c.3656+1237_3656+1239dup

Genes: IRAK1BP1 (interleukin 1 receptor associated kinase 1 binding protein 1; plus strand), PHIP (PHIP subunit of CUL4-Ring ligase complex; minus strand). Cytogenetic location: 6q14.1.
Variant type: Duplication.
Coding change: c.3656+1237_3656+1239dup on transcript NM_017934.7 (MANE Select); bases 1237 to 1239 of the intron after coding-DNA position 3656, 3 bases duplicated (AAA; older notation c.3656+1237_3656+1239dupAAA).
Molecular consequence: intron variant.
Genome position (GRCh38, 1-based): chr6:78,960,451-78,960,453, TTT duplicated on the plus strand (AAA on the coding strand, the reverse complement: PHIP is on the minus strand); duplicating any 3 consecutive bases within chr6:78,960,451-78,960,466 gives the same sequence; the c. name uses the placement nearest the transcript's 3' end. VCF-style (leftmost placement, unchanged base first): chr6-78960450-C-CTTT. GRCh37 (hg19) VCF-style: chr6-79670167-C-CTTT.
Identifiers: ClinVar variation 3031232 (VCV003031232.3), dbSNP rs1208567579, ClinGen allele CA1090912829.

ClinVar aggregate classification (germline): Likely benign. Review status: criteria provided, single submitter (1 of 4 stars). 2 submissions from 2 submitters: Likely benign (1). 1 of the submissions does not count toward it. Last evaluated 2024-04-24.

Conditions:
PHIP-related disorder. Also called: PHIP-related disorders; PHIP-related condition.

Submissions (2):

Blueprint Genetics
Classification: Likely benign. Last evaluated: 2024-04-24. Review status: criteria provided, single submitter. Criteria: ACMG Guidelines, 2015. Collection method: clinical testing. Allele origin: germline.

PreventionGenetics, part of Exact Sciences
Classification: Likely benign for PHIP-related condition. Last evaluated: 2022-04-12. Review status: no assertion criteria provided. Collection method: clinical testing. Allele origin: germline. Not counted in ClinVar's aggregate classification.
Comment: This variant is classified as likely benign based on ACMG/AMP sequence variant interpretation guidelines (Richards et al. 2015 PMID: 25741868, with internal and published modifications).